The following is an entry in ClinVar:

ClinVar aggregate classification (germline): Uncertain significance (0 of 4 stars; one submission).

Conditions:
PKHD1-related disorder. Also called: PKHD1-related condition.

Submission:

PreventionGenetics, part of Exact Sciences
Classification: Uncertain significance for PKHD1-related condition. Last evaluated: 2024-05-15. Review status: no assertion criteria provided. Collection method: clinical testing. Allele origin: germline.
Comment: The PKHD1 c.2713C>A variant is predicted to result in the amino acid substitution p.Gln905Lys. To our knowledge, this variant has not been reported in the literature or in a large population database, indicating this variant is rare. Although we suspect that this variant may be pathogenic, at this time, the clinical significance of this variant is uncertain due to the absence of conclusive functional and genetic evidence.

NM_138694.4(PKHD1):c.2713C>A (p.Gln905Lys)

Gene: PKHD1 (PKHD1 ciliary IPT domain containing fibrocystin/polyductin; minus strand). Cytogenetic location: 6p12.2.
Variant type: single nucleotide variant.
Coding change: c.2713C>A on transcript NM_138694.4 (MANE Select); coding-DNA position 2713, C replaced by A.
Protein change: p.Gln905Lys; replaces glutamine 905 with lysine.
Molecular consequence: missense variant.
Genome position (GRCh38, 1-based): chr6:52,044,968, G>T on the plus strand (C>A on the coding strand, the complement: PKHD1 is on the minus strand). VCF-style: chr6-52044968-G-T. GRCh37 (hg19) VCF-style: chr6-51909766-G-T.
Other names: c.2713C>A, p.Gln905Lys (NM_170724.3); short protein forms Q905K.
Identifiers: ClinVar variation 3344610 (VCV003344610.1).